The following is an entry in ClinVar:

NM_001184.4(ATR):c.3891C>T (p.Val1297=)

Gene: ATR (ATR checkpoint kinase; minus strand). Cytogenetic location: 3q23.
Variant type: single nucleotide variant.
Coding change: c.3891C>T on transcript NM_001184.4 (MANE Select); coding-DNA position 3891, C replaced by T.
Protein change: p.Val1297=; no amino-acid change (valine 1297 retained).
Molecular consequence: synonymous variant.
Genome position (GRCh38, 1-based): chr3:142,535,134, G>A on the plus strand (C>T on the coding strand, the complement: ATR is on the minus strand). VCF-style: chr3-142535134-G-A. GRCh37 (hg19) VCF-style: chr3-142253976-G-A.
Other names: c.3699C>T, p.Val1233= (NM_001354579.2).
Identifiers: ClinVar variation 697692 (VCV000697692.42), dbSNP rs535173549, ClinGen allele CA2649970.

ClinVar aggregate classification (germline): Likely benign. Review status: criteria provided, multiple submitters, no conflicts (2 of 4 stars). 7 submissions from 6 submitters: Likely benign (7). Last evaluated 2025-12-29.

Conditions:
Seckel syndrome 1 (SCKL1). Also called: MICROCEPHALIC PRIMORDIAL DWARFISM I. Identifiers: Orphanet 808, MedGen C4551474, MONDO:0008869, OMIM 210600.
Inborn genetic diseases. Identifiers: MedGen C0950123, MeSH D030342.
Familial cutaneous telangiectasia and oropharyngeal predisposition cancer syndrome. Identifiers: Orphanet 313846, MedGen C3281203, MONDO:0013806, OMIM 614564.

Allele frequency attached by ClinVar (database versions not stated): gnomAD 0.00004 and 0.00005; ExAC 0.00005; TOPMed 0.00005; gnomAD exomes 0.00006; 1000 Genomes Project 30x 0.00016; 1000 Genomes Project 0.00020.
gnomAD v4.1: 129 of 1,612,888 alleles (0.008%); highest among the groups gnomAD compares: Non-Finnish European, 0.0095%; no homozygotes.

Submissions (7):

Labcorp Genetics (formerly Invitae), Labcorp
Classification: Likely benign. Last evaluated: 2025-12-29. Review status: criteria provided, single submitter. Criteria: Invitae Variant Classification Sherloc (09022015). Collection method: clinical testing. Allele origin: germline.

Laboratory of Genetics, Children's Clinical University Hospital Latvia
Classification: Likely benign. Last evaluated: 2025-02-16. Review status: criteria provided, single submitter. Criteria: ACMG Guidelines, 2015. Collection method: clinical testing. Allele origin: germline. Affected: yes.

Blueprint Genetics
Classification: Likely benign. Last evaluated: 2023-03-17. Review status: criteria provided, single submitter. Criteria: ACMG Guidelines, 2015. Collection method: clinical testing. Allele origin: germline.

Genome-Nilou Lab
Classification: Likely benign for Seckel syndrome 1. Last evaluated: 2023-02-08. Review status: criteria provided, single submitter. Criteria: ACMG Guidelines, 2015. Collection method: clinical testing. Allele origin: germline.

Genome-Nilou Lab
Classification: Likely benign for Familial cutaneous telangiectasia and oropharyngeal predisposition cancer syndrome. Last evaluated: 2023-02-08. Review status: criteria provided, single submitter. Criteria: ACMG Guidelines, 2015. Collection method: clinical testing. Allele origin: germline.

CeGaT Center for Human Genetics Tuebingen
Classification: Likely benign. Last evaluated: 2022-12-01. Review status: criteria provided, single submitter. Criteria: CeGaT Center For Human Genetics Tuebingen Variant Classification Criteria Version 2. Collection method: clinical testing. Allele origin: germline. Affected: yes. Observed: 1 variant allele.
Comment: ATR: BP4, BP7

Ambry Genetics
Classification: Likely benign for Inborn genetic diseases. Last evaluated: 2022-02-12. Review status: criteria provided, single submitter. Criteria: Ambry Variant Classification Scheme 2023. Collection method: clinical testing. Allele origin: germline.